The following is an entry in ClinVar:

NM_032043.3(BRIP1):c.2166del (p.Val723fs)

Gene: BRIP1 (BRCA1 interacting DNA helicase 1; minus strand). Cytogenetic location: 17q23.2.
Variant type: Deletion.
Coding change: c.2166del on transcript NM_032043.3 (MANE Select); coding-DNA position 2166, one base deleted (A; older notation c.2166delA).
Protein change: p.Val723fs; shifts the reading frame from valine 723.
Molecular consequence: frameshift variant.
Genome position (GRCh38, 1-based): chr17:61,744,523, T deleted on the plus strand (A on the coding strand, the reverse complement: BRIP1 is on the minus strand). VCF-style (leftmost placement, unchanged base first): chr17-61744522-CT-C. GRCh37 (hg19) VCF-style: chr17-59821883-CT-C.
Other names: short protein forms V723fs.
Identifiers: ClinVar variation 2583758 (VCV002583758.2), dbSNP rs2544837915, ClinGen allele CA2582342211.

ClinVar aggregate classification (germline): Pathogenic (1 of 4 stars; one submission).

Conditions:
Familial cancer of breast. Also called: BREAST CANCER, FAMILIAL; hereditary breast carcinoma; Hereditary breast cancer. Identifiers: Orphanet 227535, MedGen C0346153, MONDO:0016419, OMIM 114480. Disease mechanism: loss of function.

Submission:

Myriad Genetics, Inc.
Classification: Pathogenic for Familial cancer of breast. Last evaluated: 2023-06-06. Review status: criteria provided, single submitter. Criteria: Myriad Autosomal Dominant, Autosomal Recessive and X-Linked Classification Criteria (2023). Collection method: clinical testing. Allele origin: unknown.
Comment: This variant is considered pathogenic. This variant creates a frameshift predicted to result in premature protein truncation.